The following is an entry in ClinVar:

NM_182710.3(KAT5):c.179-7C>T

Gene: KAT5 (lysine acetyltransferase 5; plus strand). Cytogenetic location: 11q13.1.
Variant type: single nucleotide variant.
Coding change: c.179-7C>T on transcript NM_182710.3 (MANE Select); 7 bases into the intron before coding-DNA position 179, C replaced by T.
Molecular consequence: intron variant.
Genome position (GRCh38, 1-based): chr11:65,712,759, C>T. VCF-style: chr11-65712759-C-T. GRCh37 (hg19) VCF-style: chr11-65480230-C-T.
Other names: c.179-7C>T (NM_001206833.2); c.80-7C>T (NM_006388.4, NM_182709.3).
Identifiers: ClinVar variation 2641968 (VCV002641968.24), dbSNP rs1456669284, ClinGen allele CA600228865.

ClinVar aggregate classification (germline): Likely benign (1 of 4 stars; one submission).

Submission:

CeGaT Center for Human Genetics Tuebingen
Classification: Likely benign. Last evaluated: 2023-01-01. Review status: criteria provided, single submitter. Criteria: CeGaT Center For Human Genetics Tuebingen Variant Classification Criteria Version 2. Collection method: clinical testing. Allele origin: germline. Affected: yes. Observed: 1 variant allele.
Comment: KAT5: BP4